The following is an entry in ClinVar:

ClinVar aggregate classification (germline): Likely benign (1 of 4 stars; one submission).

gnomAD v4.1: 11 of 1,574,764 alleles (0.0007%); highest among the groups gnomAD compares: South Asian, 0.0047%; no homozygotes.

Submission:

CeGaT Center for Human Genetics Tuebingen
Classification: Likely benign. Last evaluated: 2025-09-01. Review status: criteria provided, single submitter. Criteria: CeGaT Center For Human Genetics Tuebingen Variant Classification Criteria Version 2. Collection method: clinical testing. Allele origin: germline. Affected: yes. Observed: 1 variant allele.
Comment: SETD1A: BP4, BP7

NM_014712.3(SETD1A):c.2121C>G (p.Pro707=)

Gene: SETD1A (SET domain containing 1A, histone lysine methyltransferase; plus strand). Cytogenetic location: 16p11.2.
Variant type: single nucleotide variant.
Coding change: c.2121C>G on transcript NM_014712.3 (MANE Select); coding-DNA position 2121, C replaced by G.
Protein change: p.Pro707=; no amino-acid change (proline 707 retained).
Molecular consequence: synonymous variant.
Genome position (GRCh38, 1-based): chr16:30,966,002, C>G. VCF-style: chr16-30966002-C-G. GRCh37 (hg19) VCF-style: chr16-30977323-C-G.
Identifiers: ClinVar variation 4280958 (VCV004280958.7).